The following is an entry in ClinVar:

NM_000159.4(GCDH):c.1287G>A (p.Thr429=)

Genes: GCDH (glutaryl-CoA dehydrogenase; plus strand), SYCE2 (synaptonemal complex central element protein 2; minus strand), LOC126862860 (BRD4-independent group 4 enhancer GRCh37_chr19:13010146-13011345; plus strand). Cytogenetic location: 19p13.13.
Variant type: single nucleotide variant.
Coding change: c.1287G>A on transcript NM_000159.4 (MANE Select); coding-DNA position 1287, G replaced by A.
Protein change: p.Thr429=; no amino-acid change (threonine 429 retained).
Molecular consequence: synonymous variant. On other transcripts: intron variant (2), non-coding transcript variant (2).
Genome position (GRCh38, 1-based): chr19:12,899,511, G>A. VCF-style: chr19-12899511-G-A. GRCh37 (hg19) VCF-style: chr19-13010325-G-A.
Other names: c.613-126C>T (NM_001105578.2); c.1244-189G>A (NM_013976.5); c.1287G>A (NM_000159.2).
Identifiers: ClinVar variation 745562 (VCV000745562.23), dbSNP rs141819282, ClinGen allele CA9234697.
Genomic context (GRCh38, chr19:12,899,511, plus strand): 5'-GTATTAATCTTGTCCAGGTACACATGACATTCACGCCCTGATCCTTGGGAGAGCTATCAC[G>A]GGAATCCAGGCGTTCACGGCCAGCAAGTGAGCCGCTCCATCAGGGGCCCGAAACTCTCAA-3'
Protein context (NP_000150.1, residues 419-438): IHALILGRAI[Thr429=]GIQAFTASK

ClinVar aggregate classification (germline): Likely benign. Review status: criteria provided, multiple submitters, no conflicts (2 of 4 stars). 6 submissions from 6 submitters: Likely benign (4). 2 of the submissions do not count toward it. Last evaluated 2025-10-02.

Conditions:
Glutaric aciduria, type 1. Also called: Glutaryl-CoA dehydrogenase deficiency; GA I; Glutaricaciduria, type I; Glutaric Acidemia Type 1; Glutaric acidemia type I; Glutaricacidemia Type 1. Identifiers: Orphanet 25, MedGen C0268595, MONDO:0009281, OMIM 231670.
GCDH-related disorder. Also called: GCDH-related condition.
Inborn genetic diseases. Identifiers: MedGen C0950123, MeSH D030342.

Allele frequency attached by ClinVar (database versions not stated): ExAC 0.00010; ESP Exome Variant Server 0.00015; 1000 Genomes Project 30x 0.00031; TOPMed 0.00037; 1000 Genomes Project 0.00040.
gnomAD v4.1: 167 of 1,614,150 alleles (0.01%); highest among the groups gnomAD compares: African/African-American, 0.13%; no homozygotes.

Submissions (6):

Labcorp Genetics (formerly Invitae), Labcorp
Classification: Likely benign for Glutaric aciduria, type 1. Last evaluated: 2025-10-02. Review status: criteria provided, single submitter. Criteria: Invitae Variant Classification Sherloc (09022015). Collection method: clinical testing. Allele origin: germline.

CeGaT Center for Human Genetics Tuebingen
Classification: Likely benign. Last evaluated: 2025-03-01. Review status: criteria provided, single submitter. Criteria: CeGaT Center For Human Genetics Tuebingen Variant Classification Criteria Version 2. Collection method: clinical testing. Allele origin: germline. Affected: yes. Observed: 1 variant allele.
Comment: GCDH: BP4, BP7

Blueprint Genetics
Classification: Likely benign. Last evaluated: 2024-10-14. Review status: criteria provided, single submitter. Criteria: ACMG Guidelines, 2015. Collection method: clinical testing. Allele origin: germline.

Ambry Genetics
Classification: Likely benign for Inborn genetic diseases. Last evaluated: 2024-05-12. Review status: criteria provided, single submitter. Criteria: Ambry Variant Classification Scheme 2023. Collection method: clinical testing. Allele origin: germline.

PreventionGenetics, part of Exact Sciences
Classification: Likely benign for GCDH-related condition. Last evaluated: 2021-07-19. Review status: no assertion criteria provided. Collection method: clinical testing. Allele origin: germline. Not counted in ClinVar's aggregate classification.
Comment: This variant is classified as likely benign based on ACMG/AMP sequence variant interpretation guidelines (Richards et al. 2015 PMID: 25741868, with internal and published modifications).

Natera, Inc.
Classification: Uncertain significance for Glutaric acidemia type 1. Last evaluated: 2020-01-17. Review status: no assertion criteria provided. Collection method: clinical testing. Allele origin: germline. Not counted in ClinVar's aggregate classification.